The following is an entry in ClinVar:

NM_032409.3(PINK1):c.774C>A (p.Tyr258Ter)

Gene: PINK1 (PTEN induced kinase 1; plus strand). Cytogenetic location: 1p36.12.
Variant type: single nucleotide variant.
Coding change: c.774C>A on transcript NM_032409.3 (MANE Select); coding-DNA position 774, C replaced by A.
Protein change: p.Tyr258Ter; replaces tyrosine 258 with a stop codon.
Molecular consequence: nonsense.
Genome position (GRCh38, 1-based): chr1:20,639,990, C>A. VCF-style: chr1-20639990-C-A. GRCh37 (hg19) VCF-style: chr1-20966483-C-A.
Other names: short protein forms Y258*.
Identifiers: ClinVar variation 631591 (VCV000631591.6), dbSNP rs756783990, ClinGen allele CA660519.
Genomic context (GRCh38, chr1:20,639,990, plus strand): 5'-CCAGGAGCTGGTCCCAGCGAGCCGAGTGGCCTTGGCTGGGGAGTATGGAGCAGTCACTTA[C>A]AGGTAAGTGCCCTCTGCCTGCCAGACTGACTGGGACTTCTTTGAGAGCAACTTCATCCAT-3'

ClinVar aggregate classification (germline): Pathogenic. Review status: criteria provided, multiple submitters, no conflicts (2 of 4 stars). 3 submissions from 3 submitters: Pathogenic (2). 1 of the submissions does not count toward it. Last evaluated 2022-05-27.

Conditions:
Autosomal recessive early-onset Parkinson disease 6 (PARK6). Also called: PARKINSON DISEASE 6, EARLY-ONSET; PINK1 Type of Young-Onset Parkinson Disease; PARKINSON DISEASE 6, MODIFIER OF; PINK1-Related Parkinson Disease. Identifiers: Orphanet 2828, MedGen C1853833, MONDO:0011613, OMIM 605909.

Allele frequency attached by ClinVar (database versions not stated): gnomAD exomes below 0.00001; ExAC 0.00002.
gnomAD v4.1: 3 of 1,602,136 alleles (0.00019%); highest among the groups gnomAD compares: South Asian, 0.0034%; no homozygotes.

Submissions (3):

Clinical Genetics Laboratory, Skane University Hospital Lund
Classification: Pathogenic. Last evaluated: 2022-05-27. Review status: criteria provided, single submitter. Criteria: ACMG Guidelines, 2015. Collection method: clinical testing. Allele origin: germline. Affected: yes.

Illumina Laboratory Services, Illumina
Classification: Pathogenic for Autosomal recessive early-onset Parkinson disease 6. Last evaluated: 2018-10-11. Review status: criteria provided, single submitter. Criteria: ICSL Variant Classification Criteria 09 May 2019. Collection method: clinical testing. Allele origin: germline.
Comment: The PINK1 c.774C>A (p.Tyr258Ter) variant is a stop-gained variant predicted to result in premature termination of the protein. The p.Tyr258Ter variant has been reported in four studies in which it is found in a homozygous state in a total of six individuals (including three siblings) with autosomal recessive Parkinson disease (Tan et al. 2006; Keyser et al. 2010; Haylett et al. 2012; Al-Rumayyan et al. 2017). The p.Tyr258Ter variant has been reported to segregate with Parkinson in one family and found in a heterozygous state in the unaffected parents of one proband and unaffected family members in a second (Keyser et al. 2010; Al-Rumayyan et al. 2017). The variant was absent from 530 control chromosomes and is reported at a frequency of 0.00009 in the South Asian population of the Exome Aggregation Consortium, but this is based on one allele in a region of good sequence coverage, so the variant is presumed to be rare. Based on the evidence and the potential impact of stop-gained variants, the p.Tyr258Ter variant is classified as pathogenic for autosomal recessive Parkinson disease. This variant was observed by ICSL as part of a predisposition screen in an ostensibly healthy population.

Biochemical Molecular Genetic Laboratory, King Abdulaziz Medical City
Classification: Likely pathogenic for Autosomal recessive early-onset Parkinson disease 6. Last evaluated: 2019-09-26. Review status: no assertion criteria provided. Collection method: clinical testing. Allele origin: germline. Affected: yes. Not counted in ClinVar's aggregate classification.

Literature cited by the submitters: PubMed 16482571 (cited by Illumina Laboratory Services, Illumina); PubMed 20558144 (cited by Illumina Laboratory Services, Illumina); PubMed 21996382 (cited by Illumina Laboratory Services, Illumina).